The following is an entry in ClinVar:

ClinVar aggregate classification (germline): Uncertain significance. Review status: criteria provided, multiple submitters, no conflicts (2 of 4 stars). 2 submissions from 2 submitters: Uncertain significance (2). Last evaluated 2024-02-17.

Conditions:
Spastic paraplegia. Identifiers: MedGen C0037772, HP:0001258.
Inborn genetic diseases. Identifiers: MedGen C0950123, MeSH D030342.

Allele frequency attached by ClinVar (database versions not stated): TOPMed below 0.00001; ExAC 0.00002; gnomAD exomes 0.00002 and 0.00003.
gnomAD v4.1: 9 of 1,614,138 alleles (0.00056%); highest among the groups gnomAD compares: Admixed American, 0.015%; no homozygotes.

Submissions (2):

Ambry Genetics
Classification: Uncertain significance for Inborn genetic diseases. Last evaluated: 2024-02-17. Review status: criteria provided, single submitter. Criteria: Ambry Variant Classification Scheme 2023. Collection method: clinical testing. Allele origin: germline.

Labcorp Genetics (formerly Invitae), Labcorp
Classification: Uncertain significance for Spastic paraplegia. Last evaluated: 2022-08-21. Review status: criteria provided, single submitter. Criteria: Invitae Variant Classification Sherloc (09022015). Collection method: clinical testing. Allele origin: germline.
Comment: This sequence change replaces proline, which is neutral and non-polar, with leucine, which is neutral and non-polar, at codon 1879 of the ZFYVE26 protein (p.Pro1879Leu). This variant is present in population databases (rs757291996, gnomAD 0.02%). This variant has not been reported in the literature in individuals affected with ZFYVE26-related conditions. ClinVar contains an entry for this variant (Variation ID: 1480949). Algorithms developed to predict the effect of missense changes on protein structure and function (SIFT, PolyPhen-2, Align-GVGD) all suggest that this variant is likely to be tolerated. In summary, the available evidence is currently insufficient to determine the role of this variant in disease. Therefore, it has been classified as a Variant of Uncertain Significance.

NM_015346.4(ZFYVE26):c.5636C>T (p.Pro1879Leu)

Gene: ZFYVE26 (zinc finger FYVE-type containing 26; minus strand). Cytogenetic location: 14q24.1.
Variant type: single nucleotide variant.
Coding change: c.5636C>T on transcript NM_015346.4 (MANE Select); coding-DNA position 5636, C replaced by T.
Protein change: p.Pro1879Leu; replaces proline 1879 with leucine.
Molecular consequence: missense variant.
Genome position (GRCh38, 1-based): chr14:67,768,534, G>A on the plus strand (C>T on the coding strand, the complement: ZFYVE26 is on the minus strand). VCF-style: chr14-67768534-G-A. GRCh37 (hg19) VCF-style: chr14-68235251-G-A.
Other names: c.5636C>T (NM_015346.3); short protein forms P1879L.
Identifiers: ClinVar variation 1480949 (VCV001480949.6), dbSNP rs757291996, ClinGen allele CA7239435.